The following is an entry in ClinVar:

ClinVar aggregate classification (germline): Conflicting classifications of pathogenicity. Review status: criteria provided, conflicting classifications (1 of 4 stars). 4 submissions from 4 submitters: Uncertain significance (3); Likely benign (1). Last evaluated 2025-08-17.

Conditions:
Hereditary cancer-predisposing syndrome. Also called: Neoplastic Syndromes, Hereditary; Tumor predisposition; Hereditary Cancer Syndrome; Hereditary neoplastic syndrome. Identifiers: Orphanet 140162, MedGen C0027672, MeSH D009386, MONDO:0015356.
Retinoblastoma (RB1). Also called: RETINOBLASTOMA, SOMATIC. Identifiers: Orphanet 790, MedGen C0035335, MeSH D012175, MONDO:0008380, OMIM 180200, HP:0009919. Disease mechanism: loss of function. Inheritance: Both sporadic and heritable forms are tested..

Allele frequency attached by ClinVar (database versions not stated): gnomAD exomes below 0.00001.
gnomAD v4.1: 2 of 1,611,224 alleles (0.00012%); highest among the groups gnomAD compares: Non-Finnish European, 0.00017%; no homozygotes.

Submissions (4):

Labcorp Genetics (formerly Invitae), Labcorp
Classification: Uncertain significance for Retinoblastoma. Last evaluated: 2025-08-17. Review status: criteria provided, single submitter. Criteria: Invitae Variant Classification Sherloc (09022015). Collection method: clinical testing. Allele origin: germline.
Comment: This sequence change replaces serine, which is neutral and polar, with glycine, which is neutral and non-polar, at codon 811 of the RB1 protein (p.Ser811Gly). This variant is present in population databases (no rsID available, gnomAD 0.0009%). This variant has not been reported in the literature in individuals affected with RB1-related conditions. ClinVar contains an entry for this variant (Variation ID: 821266). Invitae Evidence Modeling of protein sequence and biophysical properties (such as structural, functional, and spatial information, amino acid conservation, physicochemical variation, residue mobility, and thermodynamic stability) indicates that this missense variant is not expected to disrupt RB1 protein function with a negative predictive value of 80%. In summary, the available evidence is currently insufficient to determine the role of this variant in disease. Therefore, it has been classified as a Variant of Uncertain Significance.

Ambry Genetics
Classification: Likely benign for Hereditary cancer-predisposing syndrome. Last evaluated: 2025-01-20. Review status: criteria provided, single submitter. Criteria: Ambry Variant Classification Scheme 2023. Collection method: clinical testing. Allele origin: germline.

Color Diagnostics, LLC DBA Color Health
Classification: Uncertain significance for Retinoblastoma. Last evaluated: 2024-03-06. Review status: criteria provided, single submitter. Criteria: ACMG Guidelines, 2015. Collection method: clinical testing. Allele origin: germline.
Comment: This missense variant replaces serine with glycine at codon 811 of the RB1 protein. Computational prediction suggests that this variant may not impact protein structure and function. To our knowledge, functional studies have not been reported for this variant. This variant has not been reported in individuals affected with RB1-related disorders in the literature. This variant has been identified in 1/251248 chromosomes in the general population by the Genome Aggregation Database (gnomAD). The available evidence is insufficient to determine the role of this variant in disease conclusively. Therefore, this variant is classified as a Variant of Uncertain Significance.

All of Us Research Program, National Institutes of Health
Classification: Uncertain significance for Retinoblastoma. Last evaluated: 2024-02-22. Review status: criteria provided, single submitter. Criteria: ACMG Guidelines, 2015. Collection method: clinical testing. Allele origin: germline. Inheritance: Autosomal dominant inheritance. Observed: 3 variant alleles, 3 heterozygotes.
Comment: This missense variant replaces serine with glycine at codon 811 of the RB1 protein. Computational prediction suggests that this variant may not impact protein structure and function (internally defined REVEL score threshold <= 0.5, PMID: 27666373). To our knowledge, functional studies have not been reported for this variant. This variant has not been reported in individuals affected with RB1-related disorders in the literature. This variant has been identified in 1/251248 chromosomes in the general population by the Genome Aggregation Database (gnomAD). The available evidence is insufficient to determine the role of this variant in disease conclusively. Therefore, this variant is classified as a Variant of Uncertain Significance.

This study involves interpretation of variants in research participants for the purpose of population health screening. Participant phenotype was not available at the time of variant classification. Additional details can be found in publication PMID: 35346344, PMCID: PMC8962531

NM_000321.3(RB1):c.2431A>G (p.Ser811Gly)

Gene: RB1 (RB transcriptional corepressor 1; plus strand). Cytogenetic location: 13q14.2.
Variant type: single nucleotide variant.
Coding change: c.2431A>G on transcript NM_000321.3 (MANE Select); coding-DNA position 2431, A replaced by G.
Protein change: p.Ser811Gly; replaces serine 811 with glycine.
Molecular consequence: missense variant.
Genome position (GRCh38, 1-based): chr13:48,465,310, A>G. VCF-style: chr13-48465310-A-G. GRCh37 (hg19) VCF-style: chr13-49039446-A-G.
Other names: short protein forms S811G.
Identifiers: ClinVar variation 821266 (VCV000821266.17), dbSNP rs1371240619, ClinGen allele CA388167966.